The following is an entry in ClinVar:

ClinVar aggregate classification (germline): Conflicting classifications of pathogenicity. Review status: criteria provided, conflicting classifications (1 of 4 stars). 9 submissions from 9 submitters: Uncertain significance (8); Likely benign (1). Last evaluated 2026-01-06.

Conditions:
Lynch syndrome. Identifiers: Orphanet 144, MedGen C4552100, MONDO:0005835. Disease mechanism: loss of function.
Hereditary nonpolyposis colorectal neoplasms. Identifiers: MedGen C0009405, MeSH D003123.
Endometrial carcinoma. Also called: Endometrial carcinoma, somatic. Identifiers: MedGen C0476089, MONDO:0002447, OMIM 608089, HP:0012114.
Hereditary cancer-predisposing syndrome. Also called: Hereditary Cancer Syndrome; Neoplastic Syndromes, Hereditary; Tumor predisposition; Hereditary neoplastic syndrome. Identifiers: Orphanet 140162, MedGen C0027672, MeSH D009386, MONDO:0015356.

Allele frequency attached by ClinVar (database versions not stated): gnomAD exomes below 0.00001 and 0.00002; gnomAD 0.00001; TOPMed 0.00001.

Submissions (9):

Labcorp Genetics (formerly Invitae), Labcorp
Classification: Likely benign for Hereditary nonpolyposis colorectal neoplasms. Last evaluated: 2026-01-06. Review status: criteria provided, single submitter. Criteria: Invitae Variant Classification Sherloc (09022015). Collection method: clinical testing. Allele origin: germline.

Ambry Genetics
Classification: Uncertain significance for Hereditary cancer-predisposing syndrome. Last evaluated: 2024-08-08. Review status: criteria provided, single submitter. Criteria: Ambry Variant Classification Scheme 2023. Collection method: clinical testing. Allele origin: germline.
Comment: The p.K145N variant (also known as c.435A>C), located in coding exon 2 of the MSH6 gene, results from an A to C substitution at nucleotide position 435. The lysine at codon 145 is replaced by asparagine, an amino acid with similar properties. This amino acid position is not well conserved in available vertebrate species. In addition, this alteration is predicted to be tolerated by in silico analysis. Based on the available evidence, the clinical significance of this variant remains unclear.

Baylor Genetics
Classification: Uncertain significance for Endometrial carcinoma. Last evaluated: 2024-03-14. Review status: criteria provided, single submitter. Criteria: ACMG Guidelines, 2015. Collection method: clinical testing. Allele origin: unknown.

Color Diagnostics, LLC DBA Color Health
Classification: Uncertain significance for Hereditary cancer-predisposing syndrome. Last evaluated: 2024-03-06. Review status: criteria provided, single submitter. Criteria: ACMG Guidelines, 2015. Collection method: clinical testing. Allele origin: germline.
Comment: This missense variant replaces lysine with asparagine at codon 145 of the MSH6 protein. Computational prediction suggests that this variant may not impact protein structure and function (internally defined REVEL score threshold <= 0.5, PMID: 27666373). To our knowledge, functional studies have not been reported for this variant. This variant has not been reported in individuals affected with MSH6-related disorders in the literature. This variant has been identified in 1/251468 chromosomes in the general population by the Genome Aggregation Database (gnomAD). The available evidence is insufficient to determine the role of this variant in disease conclusively. Therefore, this variant is classified as a Variant of Uncertain Significance.

All of Us Research Program, National Institutes of Health
Classification: Uncertain significance for Lynch syndrome. Last evaluated: 2023-10-27. Review status: criteria provided, single submitter. Criteria: ACMG Guidelines, 2015. Collection method: clinical testing. Allele origin: germline. Inheritance: Autosomal dominant inheritance. Observed: 5 variant alleles, 5 heterozygotes.
Comment: This missense variant replaces lysine with asparagine at codon 145 of the MSH6 protein. Computational prediction suggests that this variant may not impact protein structure and function (internally defined REVEL score threshold <= 0.5, PMID: 27666373). To our knowledge, functional studies have not been reported for this variant. This variant has not been reported in individuals affected with MSH6-related disorders in the literature. This variant has been identified in 1/251468 chromosomes in the general population by the Genome Aggregation Database (gnomAD). The available evidence is insufficient to determine the role of this variant in disease conclusively. Therefore, this variant is classified as a Variant of Uncertain Significance.

This study involves interpretation of variants in research participants for the purpose of population health screening. Participant phenotype was not available at the time of variant classification. Additional details can be found in publication PMID: 35346344, PMCID: PMC8962531

GeneDx
Classification: Uncertain significance. Last evaluated: 2023-10-26. Review status: criteria provided, single submitter. Criteria: GeneDx Variant Classification Process June 2021. Collection method: clinical testing. Allele origin: germline. Affected: yes.
Comment: Not observed at a significant frequency in large population cohorts (gnomAD); In silico analysis supports that this missense variant does not alter protein structure/function; Has not been previously published as pathogenic or benign to our knowledge

Quest Diagnostics Nichols Institute San Juan Capistrano
Classification: Uncertain significance. Last evaluated: 2023-04-19. Review status: criteria provided, single submitter. Criteria: Quest Diagnostics criteria. Collection method: clinical testing. Allele origin: unknown.
Comment: To the best of our knowledge, the variant has not been reported in the published literature. The frequency of this variant in the general population, 0.000004 (1/251468 chromosomes), is uninformative in assessment of its pathogenicity. Analysis of this variant using bioinformatics tools for the prediction of the effect of amino acid changes on protein structure and function yielded predictions that this variant is benign. Based on the available information, we are unable to determine the clinical significance of this variant.

Department of Pathology and Laboratory Medicine, Sinai Health System
Classification: Uncertain significance for Lynch syndrome. Last evaluated: 2022-12-19. Review status: criteria provided, single submitter. Criteria: ACMG Guidelines, 2015. Collection method: clinical testing. Allele origin: germline. Affected: yes.

Women's Health and Genetics/Laboratory Corporation of America, LabCorp
Classification: Uncertain significance. Last evaluated: 2021-10-25. Review status: criteria provided, single submitter. Criteria: LabCorp Variant Classification Summary - May 2015. Collection method: clinical testing. Allele origin: germline.

NM_000179.3(MSH6):c.435A>C (p.Lys145Asn)

Gene: MSH6 (mutS homolog 6; plus strand). Cytogenetic location: 2p16.3.
Variant type: single nucleotide variant.
Coding change: c.435A>C on transcript NM_000179.3 (MANE Select); coding-DNA position 435, A replaced by C.
Protein change: p.Lys145Asn; replaces lysine 145 with asparagine.
Molecular consequence: missense variant. On other transcripts: 5 prime UTR variant (2), intron variant (1).
Genome position (GRCh38, 1-based): chr2:47,791,101, A>C. VCF-style: chr2-47791101-A-C. GRCh37 (hg19) VCF-style: chr2-48018240-A-C.
Other names: c.-302A>C (NM_001281493.2); c.-468A>C (NM_001281494.2); c.238-7510A>C (NM_001281492.2); short protein forms K145N.
Identifiers: ClinVar variation 490020 (VCV000490020.33), dbSNP rs1321666742, ClinGen allele CA346737166.
Genomic context (GRCh38, chr2:47,791,101, plus strand): 5'-ATCAGTCCGTGTTCATGTACAGTTTTTTGATGACAGCCCAACAAGGGGCTGGGTTAGCAA[A>C]AGGCTTTTAAAGCCATATACAGGTAAGAGTCACTACTGCCATGTGTGTGTGTTTGTGTGT-3'
Protein context (NP_000170.1, residues 135-155): DDSPTRGWVS[Lys145Asn]RLLKPYTGSK